The following is an entry in ClinVar:

ClinVar aggregate classification (germline): Likely pathogenic (1 of 4 stars; one submission).

Conditions:
Primary ciliary dyskinesia. Also called: Ciliary dyskinesia. Identifiers: Orphanet 244, MedGen C0008780, MONDO:0016575, HP:0012265.

Submission:

Labcorp Genetics (formerly Invitae), Labcorp
Classification: Likely pathogenic for Primary ciliary dyskinesia. Last evaluated: 2017-09-24. Review status: criteria provided, single submitter. Criteria: Invitae Variant Classification Sherloc (09022015). Collection method: clinical testing. Allele origin: germline.
Comment: This sequence change replaces lysine with arginine at codon 188 of the CCNO protein (p.Lys188Arg). The lysine residue is highly conserved and there is a small physicochemical difference between lysine and arginine. This variant is not present in population databases (ExAC no frequency). This variant has been found in combination with another pathogenic CCNO variant in a single family affected with primary ciliary dyskinesia (Invitae). Algorithms developed to predict the effect of missense changes on protein structure and function (SIFT, PolyPhen-2, Align-GVGD) all suggest that this variant is likely to be disruptive, but these predictions have not been confirmed by published functional studies and their clinical significance is uncertain. Algorithms developed to predict the effect of sequence changes on RNA splicing suggest that this variant may create or strengthen a splice site, but this prediction has not been confirmed by published transcriptional studies. In summary, the currently available evidence indicates that the variant is pathogenic, but additional data are needed to prove that conclusively. Therefore, this variant has been classified as Likely Pathogenic.

NM_021147.5(CCNO):c.563A>G (p.Lys188Arg)

Gene: CCNO (cyclin O; minus strand). Cytogenetic location: 5q11.2.
Variant type: single nucleotide variant.
Coding change: c.563A>G on transcript NM_021147.5 (MANE Select); coding-DNA position 563, A replaced by G.
Protein change: p.Lys188Arg; replaces lysine 188 with arginine.
Molecular consequence: missense variant. On other transcripts: non-coding transcript variant (3).
Genome position (GRCh38, 1-based): chr5:55,232,365, T>C on the plus strand (A>G on the coding strand, the complement: CCNO is on the minus strand). VCF-style: chr5-55232365-T-C. GRCh37 (hg19) VCF-style: chr5-54528193-T-C.
Other names: short protein forms K188R.
Identifiers: ClinVar variation 525346 (VCV000525346.7), dbSNP rs1554019966, ClinGen allele CA359722594.